The following is an entry in ClinVar:

ClinVar aggregate classification (germline): Uncertain significance (1 of 4 stars; one submission).

Conditions:
Joubert syndrome. Also called: CEREBELLOPARENCHYMAL DISORDER IV; JOUBERT-BOLTSHAUSER SYNDROME; Familial aplasia of the vermis. Identifiers: Orphanet 475, MedGen C5979921, MONDO:0018772.
Orofaciodigital syndrome I (OFD1). Also called: OFDS I; Papillon-Leage and Psaume Syndrome; Oral-Facial-Digital Syndrome Type I. Identifiers: Orphanet 2750, MedGen C1510460, MONDO:0010702, OMIM 311200.

Submission:

Labcorp Genetics (formerly Invitae), Labcorp
Classification: Uncertain significance for Orofaciodigital syndrome I; Joubert syndrome. Last evaluated: 2024-02-22. Review status: criteria provided, single submitter. Criteria: Invitae Variant Classification Sherloc (09022015). Collection method: clinical testing. Allele origin: germline.
Comment: This sequence change replaces histidine, which is basic and polar, with asparagine, which is neutral and polar, at codon 381 of the OFD1 protein (p.His381Asn). This variant is not present in population databases (gnomAD no frequency). This variant has not been reported in the literature in individuals affected with OFD1-related conditions. Advanced modeling of protein sequence and biophysical properties (such as structural, functional, and spatial information, amino acid conservation, physicochemical variation, residue mobility, and thermodynamic stability) performed at Invitae indicates that this missense variant is not expected to disrupt OFD1 protein function with a negative predictive value of 80%. In summary, the available evidence is currently insufficient to determine the role of this variant in disease. Therefore, it has been classified as a Variant of Uncertain Significance.

NM_003611.3(OFD1):c.1141C>A (p.His381Asn)

Gene: OFD1 (OFD1 centriole and centriolar satellite protein; plus strand). Cytogenetic location: Xp22.2.
Variant type: single nucleotide variant.
Coding change: c.1141C>A on transcript NM_003611.3 (MANE Select); coding-DNA position 1141, C replaced by A.
Protein change: p.His381Asn; replaces histidine 381 with asparagine.
Molecular consequence: missense variant.
Genome position (GRCh38, 1-based): chrX:13,755,162, C>A. VCF-style: chrX-13755162-C-A. GRCh37 (hg19) VCF-style: chrX-13773281-C-A.
Other names: c.1021C>A, p.His341Asn (NM_001330209.2); c.721C>A, p.His241Asn (NM_001330210.2); short protein forms H241N, H341N, H381N.
Identifiers: ClinVar variation 2953985 (VCV002953985.3), dbSNP rs988204308, ClinGen allele CA326118393.